The following is an entry in ClinVar:

NM_005529.7(HSPG2):c.6469G>A (p.Glu2157Lys)

Genes: HSPG2 (heparan sulfate proteoglycan 2; minus strand), LOC126805655 (CDK7 strongly-dependent group 2 enhancer GRCh37_chr1:22178409-22179608; plus strand). Cytogenetic location: 1p36.12.
Variant type: single nucleotide variant.
Coding change: c.6469G>A on transcript NM_005529.7 (MANE Select); coding-DNA position 6469, G replaced by A.
Protein change: p.Glu2157Lys; replaces glutamic acid 2157 with lysine.
Molecular consequence: missense variant.
Genome position (GRCh38, 1-based): chr1:21,853,041, C>T on the plus strand (G>A on the coding strand, the complement: HSPG2 is on the minus strand). VCF-style: chr1-21853041-C-T. GRCh37 (hg19) VCF-style: chr1-22179534-C-T.
Other names: c.6472G>A, p.Glu2158Lys (NM_001291860.2); short protein forms E2157K, E2158K.
Identifiers: ClinVar variation 1698303 (VCV001698303.4), dbSNP rs775573796, ClinGen allele CA671532.

ClinVar aggregate classification (germline): Uncertain significance. Review status: criteria provided, multiple submitters, no conflicts (2 of 4 stars). 2 submissions from 2 submitters: Uncertain significance (2). Last evaluated 2022-01-24.

Allele frequency attached by ClinVar (database versions not stated): TOPMed below 0.00001; gnomAD 0.00001; ExAC 0.00003; gnomAD exomes 0.00005; 1000 Genomes Project 30x 0.00016.
gnomAD v4.1: 46 of 1,613,866 alleles (0.0029%); highest among the groups gnomAD compares: South Asian, 0.027%; no homozygotes.

Submissions (2):

GeneDx
Classification: Uncertain significance. Last evaluated: 2022-01-24. Review status: criteria provided, single submitter. Criteria: GeneDx Variant Classification Process June 2021. Collection method: clinical testing. Allele origin: germline. Affected: yes.
Comment: In silico analysis supports that this missense variant does not alter protein structure/function; Has not been previously published as pathogenic or benign to our knowledge

Revvity Omics, Revvity
Classification: Uncertain significance. Last evaluated: 2019-08-29. Review status: criteria provided, single submitter. Criteria: ACMG Guidelines, 2015. Collection method: clinical testing. Allele origin: germline.